The following is an entry in ClinVar:

ClinVar aggregate classification (germline): Conflicting classifications of pathogenicity. Review status: criteria provided, conflicting classifications (1 of 4 stars). 5 submissions from 5 submitters: Uncertain significance (4); Likely benign (1). Last evaluated 2025-08-11.

Conditions:
Cardiovascular phenotype. Identifiers: MedGen CN230736.
Cardiomyopathy (CMYO). Also called: Cardiomyopathies. Identifiers: Orphanet 167848, MedGen C0878544, MONDO:0004994, HP:0001638. Inheritance: Various modes of inheritance.
Hypertrophic cardiomyopathy. Also called: HYPERTROPHIC MYOCARDIOPATHY. Identifiers: Orphanet 217569, MedGen C0007194, MeSH D002312, MONDO:0005045, HP:0001639.

Allele frequency attached by ClinVar (database versions not stated): gnomAD 0.00001; TOPMed 0.00001; ESP Exome Variant Server 0.00008; ExAC 0.00002; gnomAD exomes below 0.00001.
gnomAD v4.1: 6 of 1,613,980 alleles (0.00037%); highest among the groups gnomAD compares: African/African-American, 0.0013%; no homozygotes.

Submissions (5):

Color Diagnostics, LLC DBA Color Health
Classification: Likely benign for Cardiomyopathy. Last evaluated: 2025-08-11. Review status: criteria provided, single submitter. Criteria: ACMG Guidelines, 2015. Collection method: clinical testing. Allele origin: germline.

Labcorp Genetics (formerly Invitae), Labcorp
Classification: Uncertain significance for Hypertrophic cardiomyopathy. Last evaluated: 2025-06-11. Review status: criteria provided, single submitter. Criteria: Invitae Variant Classification Sherloc (09022015). Collection method: clinical testing. Allele origin: germline.
Comment: This sequence change replaces proline, which is neutral and non-polar, with serine, which is neutral and polar, at codon 25 of the MYL3 protein (p.Pro25Ser). This variant is present in population databases (rs369256548, gnomAD 0.004%). This variant has not been reported in the literature in individuals affected with MYL3-related conditions. ClinVar contains an entry for this variant (Variation ID: 181446). Experimental studies and prediction algorithms are not available or were not evaluated, and the functional significance of this variant is currently unknown. In summary, the available evidence is currently insufficient to determine the role of this variant in disease. Therefore, it has been classified as a Variant of Uncertain Significance.

Ambry Genetics
Classification: Uncertain significance for Cardiovascular phenotype. Last evaluated: 2024-11-05. Review status: criteria provided, single submitter. Criteria: Ambry Variant Classification Scheme 2023. Collection method: clinical testing. Allele origin: germline.
Comment: The p.P25S variant (also known as c.73C>T), located in coding exon 1 of the MYL3 gene, results from a C to T substitution at nucleotide position 73. The proline at codon 25 is replaced by serine, an amino acid with similar properties. This amino acid position is well conserved in available vertebrate species. In addition, this alteration is predicted to be tolerated by in silico analysis. Since supporting evidence is limited at this time, the clinical significance of this alteration remains unclear.

All of Us Research Program, National Institutes of Health
Classification: Uncertain significance for Hypertrophic cardiomyopathy. Last evaluated: 2024-08-06. Review status: criteria provided, single submitter. Criteria: ACMG Guidelines, 2015. Collection method: clinical testing. Allele origin: germline. Inheritance: Autosomal dominant inheritance. Observed: 2 variant alleles, 2 heterozygotes.
Comment: This study involves interpretation of variants in research participants for the purpose of population health screening. Participant phenotype was not available at the time of variant classification. Additional details can be found in publication PMID: 35346344, PMCID: PMC8962531

GeneDx
Classification: Uncertain significance. Last evaluated: 2012-11-20. Review status: criteria provided, single submitter. Criteria: GeneDx Variant Classification (06012015). Collection method: clinical testing. Allele origin: germline. Affected: yes.
Comment: The Pro25Ser variant in the MYL3 gene has not been reported as a disease-causing mutation or as a benign polymorphism to our knowledge. Pro25Ser results in a non-conservative amino acid substitution of non-polar Proline with a polar Serine at a position that is not conserved across species. Nevertheless, in silico analysis predicts Pro25Ser is possibly damaging to the protein structure/function. No mutations in nearby codons have been reported in association with HCM, indicating this region of the protein may be tolerant of change.With the clinical and molecular information available at this time, we cannot definitively determine if Pro25Ser is a disease-causing mutation or a rare benign variant. The variant is found in HCM panel(s).

NM_000258.3(MYL3):c.73C>T (p.Pro25Ser)

Gene: MYL3 (myosin light chain 3; minus strand). Cytogenetic location: 3p21.31.
Variant type: single nucleotide variant.
Coding change: c.73C>T on transcript NM_000258.3 (MANE Select); coding-DNA position 73, C replaced by T.
Protein change: p.Pro25Ser; replaces proline 25 with serine.
Molecular consequence: missense variant.
Genome position (GRCh38, 1-based): chr3:46,863,318, G>A on the plus strand (C>T on the coding strand, the complement: MYL3 is on the minus strand). VCF-style: chr3-46863318-G-A. GRCh37 (hg19) VCF-style: chr3-46904808-G-A.
Other names: p.P25S:CCT>TCT; short protein forms P25S.
Identifiers: ClinVar variation 181446 (VCV000181446.11), dbSNP rs369256548, ClinGen allele CA014083.